The following is an entry in ClinVar:

ClinVar aggregate classification (germline): Likely benign (1 of 4 stars; one submission).

Submission:

Women's Health and Genetics/Laboratory Corporation of America, LabCorp
Classification: Likely benign. Last evaluated: 2026-04-13. Review status: criteria provided, single submitter. Criteria: LabCorp Variant Classification Summary - May 2015. Collection method: clinical testing. Allele origin: germline.
Comment: Variant summary: CFTR c.2909-10T>G alters a non-conserved nucleotide located at a position not widely known to affect splicing. Consensus agreement among computation tools predict no significant impact on normal splicing. However, these predictions have yet to be confirmed by functional studies. The variant was absent in 250684 control chromosomes. The available data on variant occurrences in the general population are insufficient to allow any conclusion about variant significance. To our knowledge, no occurrence of c.2909-10T>G in individuals affected with CFTR-related conditions and no experimental evidence demonstrating its impact on protein function have been reported. No submitters have cited clinical-significance assessments for this variant to ClinVar. Based on the evidence outlined above, the variant was classified as likely benign.

NM_000492.4(CFTR):c.2909-10T>G

Genes: CFTR (CF transmembrane conductance regulator; plus strand), CFTR-AS2 (CFTR antisense RNA 2; minus strand). Cytogenetic location: 7q31.2.
Variant type: single nucleotide variant.
Coding change: c.2909-10T>G on transcript NM_000492.4 (MANE Select); 10 bases into the intron before coding-DNA position 2909, T replaced by G.
Molecular consequence: intron variant.
Genome position (GRCh38, 1-based): chr7:117,606,664, T>G. VCF-style: chr7-117606664-T-G. GRCh37 (hg19) VCF-style: chr7-117246718-T-G.
Identifiers: ClinVar variation 4848672 (VCV004848672.1).